The following is an entry in ClinVar:

NM_001267550.2(TTN):c.79148C>T (p.Pro26383Leu)

Genes: TTN (titin; minus strand), TTN-AS1 (TTN antisense RNA 1; plus strand). Cytogenetic location: 2q31.2.
Variant type: single nucleotide variant.
Coding change: c.79148C>T on transcript NM_001267550.2 (MANE Select); coding-DNA position 79148, C replaced by T.
Protein change: p.Pro26383Leu; replaces proline 26383 with leucine.
Molecular consequence: missense variant.
Genome position (GRCh38, 1-based): chr2:178,566,984, G>A on the plus strand (C>T on the coding strand, the complement: TTN is on the minus strand). VCF-style: chr2-178566984-G-A. GRCh37 (hg19) VCF-style: chr2-179431711-G-A.
Other names: c.74225C>T, p.Pro24742Leu (NM_001256850.1); c.51953C>T, p.Pro17318Leu (NM_003319.4); c.71444C>T, p.Pro23815Leu (NM_133378.4); c.52328C>T, p.Pro17443Leu (NM_133432.3); c.52529C>T, p.Pro17510Leu (NM_133437.4); short protein forms P17318L, P26383L, P24742L, P17510L, P17443L, P23815L.
Identifiers: ClinVar variation 519120 (VCV000519120.7), dbSNP rs1377015752, ClinGen allele CA349599402.

ClinVar aggregate classification (germline): Uncertain significance. Review status: criteria provided, multiple submitters, no conflicts (2 of 4 stars). 3 submissions from 3 submitters: Uncertain significance (3). Last evaluated 2021-09-16.

Conditions:
Cardiovascular phenotype. Identifiers: MedGen CN230736.
Autosomal recessive limb-girdle muscular dystrophy type 2J (LGMDR10). Also called: MUSCULAR DYSTROPHY, LIMB-GIRDLE, AUTOSOMAL RECESSIVE 10; Limb-girdle muscular dystrophy, type 2J. Identifiers: Orphanet 140922, MedGen C1837342, MONDO:0012127, OMIM 608807.
Hypertrophic cardiomyopathy 9. Also called: Familial hypertrophic cardiomyopathy 9. Identifiers: MedGen C1861065, MONDO:0013412, OMIM 613765.
Tibial muscular dystrophy (TMD). Also called: Udd Distal Myopathy – Tibial Muscular Dystrophy; Tibial muscular dystrophy, tardive; UDD MYOPATHY. Identifiers: Orphanet 609, MedGen C1838244, MONDO:0010870, OMIM 600334.
Dilated cardiomyopathy 1G (CMD1G). Identifiers: Orphanet 154, MedGen C1858763, MONDO:0011400, OMIM 604145.
Early-onset myopathy with fatal cardiomyopathy (CMYO5). Also called: Salih Myopathy; CONGENITAL MYOPATHY 5 WITH CARDIOMYOPATHY. Identifiers: Orphanet 289377, MedGen C2673677, MONDO:0012714, OMIM 611705. Disease mechanism: loss of function.
Myopathy, myofibrillar, 9, with early respiratory failure (MFM9). Also called: MYOPATHY, PROXIMAL, WITH EARLY RESPIRATORY MUSCLE INVOLVEMENT; Myopathy, distal, with early respiratory failure, autosomal dominant; Hereditary myopathy with early respiratory failure; EDSTROM MYOPATHY. Identifiers: Orphanet 178464, Orphanet 34521, MedGen C1863599, MONDO:0011362, OMIM 603689.

gnomAD v4.1: 3 of 1,613,420 alleles (0.00019%); highest among the groups gnomAD compares: African/African-American, 0.0013%; no homozygotes.

Submissions (3):

Fulgent Genetics
Classification: Uncertain significance for Tibial muscular dystrophy; Myopathy, myofibrillar, 9, with early respiratory failure; Dilated cardiomyopathy 1G; Autosomal recessive limb-girdle muscular dystrophy type 2J; Early-onset myopathy with fatal cardiomyopathy; Hypertrophic cardiomyopathy 9. Last evaluated: 2021-09-16. Review status: criteria provided, single submitter. Criteria: ACMG Guidelines, 2015. Collection method: clinical testing. Allele origin: unknown.

Ambry Genetics
Classification: Uncertain significance for Cardiovascular phenotype. Last evaluated: 2020-07-16. Review status: criteria provided, single submitter. Criteria: Ambry Variant Classification Scheme 2023. Collection method: clinical testing. Allele origin: germline.
Comment: The p.P17318L variant (also known as c.51953C>T), located in coding exon 153 of the TTN gene, results from a C to T substitution at nucleotide position 51953. The proline at codon 17318 is replaced by leucine, an amino acid with some similar properties. This amino acid position is highly conserved in available vertebrate species. In addition, this alteration is predicted to be tolerated by in silico analysis. Since supporting evidence is limited at this time, the clinical significance of this alteration remains unclear.

Breakthrough Genomics
Classification: Uncertain significance. Review status: criteria provided, single submitter. Criteria: ACMG Guidelines, 2015. Collection method: not provided. Allele origin: germline. Inheritance: Autosomal recessive inheritance. Affected: yes.